The following is an entry in ClinVar:

NM_002700.3(POU4F3):c.779G>A (p.Arg260Gln)

Genes: POU4F3 (POU class 4 homeobox 3; plus strand), RBM27-POU4F3 (RBM27-POU4F3 readthrough; plus strand). Cytogenetic location: 5q32.
Variant type: single nucleotide variant.
Coding change: c.779G>A on transcript NM_002700.3 (MANE Select); coding-DNA position 779, G replaced by A.
Protein change: p.Arg260Gln; replaces arginine 260 with glutamine.
Molecular consequence: missense variant.
Genome position (GRCh38, 1-based): chr5:146,340,206, G>A. VCF-style: chr5-146340206-G-A. GRCh37 (hg19) VCF-style: chr5-145719769-G-A.
Other names: c.779G>A (NM_002700.2); short protein forms R260Q.
Identifiers: ClinVar variation 1396196 (VCV001396196.9), dbSNP rs539383335, ClinGen allele CA3491196.

ClinVar aggregate classification (germline): Uncertain significance. Review status: criteria provided, multiple submitters, no conflicts (2 of 4 stars). 3 submissions from 3 submitters: Uncertain significance (3). Last evaluated 2025-10-02.

Conditions:
Inborn genetic diseases. Identifiers: MedGen C0950123, MeSH D030342.

Allele frequency attached by ClinVar (database versions not stated): gnomAD 0.00002; gnomAD exomes 0.00002; TOPMed 0.00003; 1000 Genomes Project 30x 0.00016; 1000 Genomes Project 0.00020.
gnomAD v4.1: 37 of 1,614,160 alleles (0.0023%); highest among the groups gnomAD compares: South Asian, 0.026%; 1 homozygote.

Submissions (3):

Ambry Genetics
Classification: Uncertain significance for Inborn genetic diseases. Last evaluated: 2025-10-02. Review status: criteria provided, single submitter. Criteria: Ambry Variant Classification Scheme 2023. Collection method: clinical testing. Allele origin: germline.

GeneDx
Classification: Uncertain significance. Last evaluated: 2025-06-30. Review status: criteria provided, single submitter. Criteria: GeneDx Variant Classification Process June 2021. Collection method: clinical testing. Allele origin: germline. Affected: yes.
Comment: In silico analysis supports that this missense variant has a deleterious effect on protein structure/function; Has not been previously published as pathogenic or benign to our knowledge

Labcorp Genetics (formerly Invitae), Labcorp
Classification: Uncertain significance. Last evaluated: 2022-08-09. Review status: criteria provided, single submitter. Criteria: Invitae Variant Classification Sherloc (09022015). Collection method: clinical testing. Allele origin: germline.
Comment: In summary, the available evidence is currently insufficient to determine the role of this variant in disease. Therefore, it has been classified as a Variant of Uncertain Significance. Algorithms developed to predict the effect of missense changes on protein structure and function are either unavailable or do not agree on the potential impact of this missense change (SIFT: "Deleterious"; PolyPhen-2: "Possibly Damaging"; Align-GVGD: "Class C0"). ClinVar contains an entry for this variant (Variation ID: 1396196). This variant has not been reported in the literature in individuals affected with POU4F3-related conditions. This variant is present in population databases (rs539383335, gnomAD 0.03%). This sequence change replaces arginine, which is basic and polar, with glutamine, which is neutral and polar, at codon 260 of the POU4F3 protein (p.Arg260Gln).